The following is an entry in ClinVar:

NM_002137.4(HNRNPA2B1):c.779G>C (p.Gly260Ala)

Gene: HNRNPA2B1 (heterogeneous nuclear ribonucleoprotein A2/B1; minus strand). Cytogenetic location: 7p15.2.
Variant type: single nucleotide variant.
Coding change: c.779G>C on transcript NM_002137.4 (MANE Select); coding-DNA position 779, G replaced by C.
Protein change: p.Gly260Ala; replaces glycine 260 with alanine.
Molecular consequence: missense variant.
Genome position (GRCh38, 1-based): chr7:26,193,637, C>G on the plus strand (G>C on the coding strand, the complement: HNRNPA2B1 is on the minus strand). VCF-style: chr7-26193637-C-G. GRCh37 (hg19) VCF-style: chr7-26233257-C-G.
Other names: c.815G>C, p.Gly272Ala (NM_031243.4); short protein forms G272A, G260A.
Identifiers: ClinVar variation 1515178 (VCV001515178.8), dbSNP rs2128110679, ClinGen allele CA367073755.

ClinVar aggregate classification (germline): Uncertain significance (1 of 4 stars; one submission).

Conditions:
Inclusion body myopathy with early-onset Paget disease with or without frontotemporal dementia 2 (IBMPFD2). Also called: MULTISYSTEM PROTEINOPATHY 2. Identifiers: MedGen C3809468, MONDO:0014178, OMIM 615422.

Allele frequency attached by ClinVar (database versions not stated): gnomAD exomes below 0.00001.
gnomAD v4.1: 2 of 1,612,378 alleles (0.00012%); highest among the groups gnomAD compares: Non-Finnish European, 0.00017%; no homozygotes.

Submission:

Labcorp Genetics (formerly Invitae), Labcorp
Classification: Uncertain significance for Inclusion body myopathy with early-onset Paget disease with or without frontotemporal dementia 2. Last evaluated: 2021-06-08. Review status: criteria provided, single submitter. Criteria: Invitae Variant Classification Sherloc (09022015). Collection method: clinical testing. Allele origin: germline.
Comment: This sequence change replaces glycine with alanine at codon 272 of the HNRNPA2B1 protein (p.Gly272Ala). The glycine residue is highly conserved and there is a small physicochemical difference between glycine and alanine. This variant is not present in population databases (ExAC no frequency). This variant has not been reported in the literature in individuals with HNRNPA2B1-related conditions. Algorithms developed to predict the effect of missense changes on protein structure and function are either unavailable or do not agree on the potential impact of this missense change (SIFT: "Deleterious"; PolyPhen-2: "Benign"; Align-GVGD: "Class C55"). In summary, the available evidence is currently insufficient to determine the role of this variant in disease. Therefore, it has been classified as a Variant of Uncertain Significance.